The following is an entry in ClinVar:

ClinVar aggregate classification (germline): Pathogenic. Review status: criteria provided, multiple submitters, no conflicts (2 of 4 stars). 10 submissions from 10 submitters: Pathogenic (8). 2 of the submissions do not count toward it. Last evaluated 2026-01-25.

Conditions:
XPA-related disorder. Also called: XPA-related condition.
Xeroderma pigmentosum (XP). Identifiers: Orphanet 910, MedGen C0043346, MONDO:0019600.
Xeroderma pigmentosum group A (XPA). Also called: Xeroderma pigmentosum, complementation group A; XP, group A; XPA-Related Xeroderma Pigmentosum. Identifiers: Orphanet 910, MedGen C0268135, MONDO:0010210, OMIM 278700.

Allele frequency attached by ClinVar (database versions not stated): gnomAD exomes 0.00001 and 0.00003; ExAC 0.00003; TOPMed below 0.00001; gnomAD 0.00001.
gnomAD v4.1: 47 of 1,602,704 alleles (0.0029%); highest among the groups gnomAD compares: East Asian, 0.1%; no homozygotes.

Submissions (10):

Labcorp Genetics (formerly Invitae), Labcorp
Classification: Pathogenic. Last evaluated: 2026-01-25. Review status: criteria provided, single submitter. Criteria: Invitae Variant Classification Sherloc (09022015). Collection method: clinical testing. Allele origin: germline.
Comment: This sequence change affects an acceptor splice site in intron 3 of the XPA gene. RNA analysis indicates that disruption of this splice site induces altered splicing and may result in an absent or altered protein product. This variant is present in population databases (rs750218942, gnomAD 0.02%). Disruption of this splice site has been observed in individuals with xeroderma pigmentosum (PMID: 27607234). It is commonly reported in individuals of Japanese ancestry (PMID: 2234061, 23194742). ClinVar contains an entry for this variant (Variation ID: 264684). Studies have shown that disruption of this splice site results in activation of a cryptic splice site in exon 4, and produces a non-functional protein and/or introduces a premature termination codon (PMID: 1702221). For these reasons, this variant has been classified as Pathogenic.

Fulgent Genetics
Classification: Pathogenic for Xeroderma pigmentosum group A. Last evaluated: 2024-03-28. Review status: criteria provided, single submitter. Criteria: ACMG Guidelines, 2015. Collection method: clinical testing. Allele origin: germline.

Baylor Genetics
Classification: Pathogenic for Xeroderma pigmentosum group A. Last evaluated: 2024-03-09. Review status: criteria provided, single submitter. Criteria: ACMG Guidelines, 2015. Collection method: clinical testing. Allele origin: unknown.

Blueprint Genetics
Classification: Pathogenic for XPA-related disorders. Last evaluated: 2022-11-14. Review status: criteria provided, single submitter. Criteria: ACMG Guidelines, 2015. Collection method: clinical testing. Allele origin: germline. Affected: yes. Observed: 5 variant alleles.

Myriad Genetics, Inc.
Classification: Pathogenic for Xeroderma pigmentosum group A. Last evaluated: 2021-11-03. Review status: criteria provided, single submitter. Criteria: Myriad Women's Health Autosomal Recessive and X-Linked Classification Criteria (2021). Collection method: clinical testing. Allele origin: unknown.
Comment: NM_000380.3(XPA):c.390-1G>C is a canonical splice variant classified as pathogenic in the context of xeroderma pigmentosum group A. c.390-1G>C has been observed in cases with relevant disease (PMID: 1702221, 7577588). Functional assessments of this variant are available in the literature (PMID: 1702221). c.390-1G>C has been observed in population frequency databases (gnomAD: EAS 0.02%). In summary, NM_000380.3(XPA):c.390-1G>C is a canonical splice variant in a gene where loss of function is a known mechanism of disease, is predicted to disrupt protein function, and has been observed more frequently in cases with the relevant disease than in healthy populations. Please note: this variant was assessed in the context of healthy population screening.

3billion
Classification: Pathogenic for Xeroderma pigmentosum group A. Last evaluated: 2021-10-02. Review status: criteria provided, single submitter. Criteria: ACMG Guidelines, 2015. Collection method: clinical testing. Allele origin: biparental. Affected: yes. Observed: 1 homozygote.
Comment: Canonical splice site: predicted to alter splicing and result in a loss or disruption of normal protein function through nonsense-mediated decay (NMD) or protein truncation. Multiple pathogenic variants are reported downstream of the variant (PVS1_VS).It is observed at an extremely low frequency in the gnomAD v2.1.1 dataset (total allele frequency: 0.00001235, PM2). The variant has been reported multiple times as an established pathogenic variant (ClinVar ID: VCV000264684.5). Therefore, this variant is classified as pathogenic according to the recommendation of ACMG/AMP guideline.

Women's Health and Genetics/Laboratory Corporation of America, LabCorp
Classification: Pathogenic for Xeroderma pigmentosum. Last evaluated: 2020-08-20. Review status: criteria provided, single submitter. Criteria: LabCorp Variant Classification Summary - May 2015. Collection method: clinical testing. Allele origin: germline.
Comment: Variant summary: XPA c.390-1G>C is located in a canonical splice-site and is predicted to affect mRNA splicing resulting in a significantly altered protein due to either exon skipping, shortening, or inclusion of intronic material. Several computational tools predict a significant impact on normal splicing: Four predict the variant abolishes a 3 acceptor site and creates/strengthens a cryptic exonic one. Experimental evidence supports these predictions demonstrating the variant results in the production of aberrant mRNA transcripts (Satokata_1990). The variant allele was found at a frequency of 1.2e-05 in 242978 control chromosomes (gnomAD). c.390-1G>C is described in the literature as a founder mutation in the Japanese population and has been reported in multiple individuals affected with Xeroderma Pigmentosum (e.g. Satokata_1990, Hirai_2006, Imoto_2013). These data indicate that the variant is very likely to be associated with disease. Four ClinVar submitters (evaluation after 2014) cite the variant as pathogenic. Based on the evidence outlined above, the variant was classified as pathogenic.

Illumina Laboratory Services, Illumina
Classification: Pathogenic for Xeroderma pigmentosum group A. Last evaluated: 2017-06-26. Review status: criteria provided, single submitter. Criteria: ICSL Variant Classification Criteria 09 May 2019. Collection method: clinical testing. Allele origin: germline.
Comment: The XPA c.390-1G>C variant occurs in a canonical splice site (acceptor) and is therefore predicted to disrupt or distort the normal gene product. The variant has been described as a founder variant in the Japanese population with a carrier frequency of approximately 0.9% (Hirai et al. 2006; Imoto et al. 2013). Across a selection of the available literature, the c.390-1G>C variant has been reported in 24 patients including 20 patients with the variant in a homozygous state and four in a heterozygous state (Satokata et al. 1990; Sun et al. 2015; Choi et al. 2016; Zhou et al. 2017). Control data are unavailable for this variant, which is reported at a frequency of 0.00037 in the East Asian population of the Exome Aggregation Consortium. The c.390-1G>C variant affects splicing, creating two abnormally spliced mRNA forms, both of which result in premature truncation of the protein (Satokata et al. 1990). Based on the collective evidence and the potential impact of splice acceptor variants, the c.390-1G>C variant is classified as pathogenic for xeroderma pigmentosum. This variant was observed by ICSL as part of a predisposition screen in an ostensibly healthy population.

OMIM
Classification: Pathogenic for XERODERMA PIGMENTOSUM, COMPLEMENTATION GROUP A. Last evaluated: 1995-11-01. Review status: no assertion criteria provided. Collection method: literature only. Allele origin: germline. Not counted in ClinVar's aggregate classification.

GeneReviews
No classification provided. Condition: Xeroderma pigmentosum group A. Review status: no classification provided. Collection method: literature only. Allele origin: germline. Affected: yes. Not counted in ClinVar's aggregate classification.

Literature cited by the submitters: PubMed 27607234 (cited by Labcorp Genetics (formerly Invitae), Labcorp and Illumina Laboratory Services, Illumina); PubMed 2234061 (cited by Labcorp Genetics (formerly Invitae), Labcorp and OMIM); PubMed 23194742 (cited by 3 submitters); PubMed 1702221 (cited by 5 submitters); PubMed 7577588 (cited by Myriad Genetics, Inc.); PubMed 16905156 (cited by 3 submitters); PubMed 25256075 (cited by Illumina Laboratory Services, Illumina); PubMed 1352672 (cited by OMIM); PubMed 10447254 (cited by OMIM); PubMed 8825598 (cited by OMIM); NCBI Bookshelf NBK1397 (cited by GeneReviews).

NM_000380.4(XPA):c.390-1G>C

Gene: XPA (XPA, DNA damage recognition and repair factor; minus strand). Cytogenetic location: 9q22.33.
Variant type: single nucleotide variant.
Coding change: c.390-1G>C on transcript NM_000380.4 (MANE Select); the canonical splice acceptor site of the intron before coding-DNA position 390, G replaced by C.
Molecular consequence: splice acceptor variant.
Genome position (GRCh38, 1-based): chr9:97,687,262, C>G on the plus strand (G>C on the coding strand, the complement: XPA is on the minus strand). VCF-style: chr9-97687262-C-G. GRCh37 (hg19) VCF-style: chr9-100449544-C-G.
Other names: IVS3AS, G-C; c.264-1G>C (NM_001354975.2).
Identifiers: ClinVar variation 264684 (VCV000264684.23), dbSNP rs750218942, ClinGen allele CA5148823.
Genomic context (GRCh38, chr9:97,687,262, plus strand): 5'-AGAAGATATTCTTGTTTTGCCTCTGTTTTGGTTATAAGCTTGTGTTTATCATCAGCATCT[C>G]TGAAAACAGATTAAGTCCATTATATAAATTAGTTATTTTAAATAAGCTAAGTTTGCAAAT-3'